The following is an entry in ClinVar:

NM_000245.4(MET):c.2849G>A (p.Gly950Glu)

Gene: MET (MET proto-oncogene, receptor tyrosine kinase; plus strand). Cytogenetic location: 7q31.2.
Variant type: single nucleotide variant.
Coding change: c.2849G>A on transcript NM_000245.4 (MANE Select); coding-DNA position 2849, G replaced by A.
Protein change: p.Gly950Glu; replaces glycine 950 with glutamic acid.
Molecular consequence: missense variant.
Genome position (GRCh38, 1-based): chr7:116,771,616, G>A. VCF-style: chr7-116771616-G-A. GRCh37 (hg19) VCF-style: chr7-116411670-G-A.
Other names: c.2903G>A, p.Gly968Glu (NM_001127500.3); c.1559G>A, p.Gly520Glu (NM_001324402.2); short protein forms G520E, G950E, G968E.
Identifiers: ClinVar variation 1352085 (VCV001352085.8), dbSNP rs2116992857, ClinGen allele CA368986678.
Genomic context (GRCh38, chr7:116,771,616, plus strand): 5'-ATTTCACAGGATTGATTGCTGGTGTTGTCTCAATATCAACAGCACTGTTATTACTACTTG[G>A]GTTTTTCCTGTGGCTGAAAAAGAGAAAGCAAATTAAAGGTGCATTTTTGTTACTGTTCAT-3'
Protein context (NP_000236.2, residues 940-960): SISTALLLLL[Gly950Glu]FFLWLKKRKQ

ClinVar aggregate classification (germline): Uncertain significance (1 of 4 stars; one submission).

Conditions:
Renal cell carcinoma. Identifiers: Orphanet 217071, MedGen C0007134, MeSH D002292, MONDO:0005086, HP:0005584.

Submission:

Labcorp Genetics (formerly Invitae), Labcorp
Classification: Uncertain significance for Renal cell carcinoma. Last evaluated: 2021-05-07. Review status: criteria provided, single submitter. Criteria: Invitae Variant Classification Sherloc (09022015). Collection method: clinical testing. Allele origin: germline.
Comment: Algorithms developed to predict the effect of missense changes on protein structure and function are either unavailable or do not agree on the potential impact of this missense change (SIFT: "Tolerated"; PolyPhen-2: "Probably Damaging"; Align-GVGD: "Class C0"). In summary, the available evidence is currently insufficient to determine the role of this variant in disease. Therefore, it has been classified as a Variant of Uncertain Significance. This variant has not been reported in the literature in individuals with MET-related conditions. This sequence change replaces glycine with glutamic acid at codon 968 of the MET protein (p.Gly968Glu). The glycine residue is moderately conserved and there is a moderate physicochemical difference between glycine and glutamic acid. This variant is not present in population databases (ExAC no frequency).